The following is an entry in ClinVar:

ClinVar aggregate classification (germline): Uncertain significance (0 of 4 stars; one submission).

Submission:

Leiden Open Variation Database
Classification: Uncertain significance. Last evaluated: 2018-10-10. Review status: no assertion criteria provided. Collection method: curation. Allele origin: germline. Affected: yes.
Comment: Curators: Marc Tischkowitz, Arleen D. Auerbach. Submitter to LOVD: Yukihide Momozawa.

Literature cited by the submitters: PubMed 30287823.

NM_024675.4(PALB2):c.3499A>C (p.Thr1167Pro)

Gene: PALB2 (partner and localizer of BRCA2; minus strand). Cytogenetic location: 16p12.2.
Variant type: single nucleotide variant.
Coding change: c.3499A>C on transcript NM_024675.4 (MANE Select); coding-DNA position 3499, A replaced by C.
Protein change: p.Thr1167Pro; replaces threonine 1167 with proline.
Molecular consequence: missense variant.
Genome position (GRCh38, 1-based): chr16:23,603,521, T>G on the plus strand (A>C on the coding strand, the complement: PALB2 is on the minus strand). VCF-style: chr16-23603521-T-G. GRCh37 (hg19) VCF-style: chr16-23614842-T-G.
Other names: short protein forms T1167P.
Identifiers: ClinVar variation 830208 (VCV000830208.1), dbSNP rs1597061878, ClinGen allele CA395137907.
Genomic context (GRCh38, chr16:23,603,521, plus strand): 5'-ATGAATAGTGGTATACAAATATATTTCCATCTTTTTGTCCAGCCAGCAAATGAGAGTCTG[T>G]ACCCGACCATTTCACAAAAGACCAATGTTGGTCAGAGACAGGTGGGAGGAGGGCAGTACA-3'
Protein context (NP_078951.2, residues 1157-1177): QHWSFVKWSG[Thr1167Pro]DSHLLAGQKD